The following is an entry in ClinVar:

NM_000553.6(WRN):c.2657A>G (p.Glu886Gly)

Gene: WRN (WRN RecQ like helicase; plus strand). Cytogenetic location: 8p12.
Variant type: single nucleotide variant.
Coding change: c.2657A>G on transcript NM_000553.6 (MANE Select); coding-DNA position 2657, A replaced by G.
Protein change: p.Glu886Gly; replaces glutamic acid 886 with glycine.
Molecular consequence: missense variant.
Genome position (GRCh38, 1-based): chr8:31,124,548, A>G. VCF-style: chr8-31124548-A-G. GRCh37 (hg19) VCF-style: chr8-30982064-A-G.
Other names: short protein forms E886G.
Identifiers: ClinVar variation 2069072 (VCV002069072.4), dbSNP rs2535994813, ClinGen allele CA370916726.

ClinVar aggregate classification (germline): Uncertain significance (1 of 4 stars; one submission).

Conditions:
Werner syndrome (WRN). Identifiers: Orphanet 902, MedGen C0043119, MONDO:0010196, OMIM 277700.

Submission:

Labcorp Genetics (formerly Invitae), Labcorp
Classification: Uncertain significance for Werner syndrome. Last evaluated: 2022-02-03. Review status: criteria provided, single submitter. Criteria: Invitae Variant Classification Sherloc (09022015). Collection method: clinical testing. Allele origin: germline.
Comment: This sequence change replaces glutamic acid, which is acidic and polar, with glycine, which is neutral and non-polar, at codon 886 of the WRN protein (p.Glu886Gly). This variant is not present in population databases (gnomAD no frequency). This variant has not been reported in the literature in individuals affected with WRN-related conditions. Algorithms developed to predict the effect of missense changes on protein structure and function are either unavailable or do not agree on the potential impact of this missense change (SIFT: "Not Available"; PolyPhen-2: "Benign"; Align-GVGD: "Not Available"). In summary, the available evidence is currently insufficient to determine the role of this variant in disease. Therefore, it has been classified as a Variant of Uncertain Significance.